The following is an entry in ClinVar:

NM_018133.4(MSL2):c.328A>G (p.Ile110Val)

Gene: MSL2 (MSL complex subunit 2; minus strand). Cytogenetic location: 3q22.3.
Variant type: single nucleotide variant.
Coding change: c.328A>G on transcript NM_018133.4 (MANE Select); coding-DNA position 328, A replaced by G.
Protein change: p.Ile110Val; replaces isoleucine 110 with valine.
Molecular consequence: missense variant.
Genome position (GRCh38, 1-based): chr3:136,152,553, T>C on the plus strand (A>G on the coding strand, the complement: MSL2 is on the minus strand). VCF-style: chr3-136152553-T-C. GRCh37 (hg19) VCF-style: chr3-135871395-T-C.
Other names: c.106A>G, p.Ile36Val (NM_001145417.2); short protein forms I110V, I36V.
Identifiers: ClinVar variation 3342788 (VCV003342788.1).

ClinVar aggregate classification (germline): Uncertain significance (1 of 4 stars; one submission).

gnomAD v4.1: 2 of 1,614,096 alleles (0.00012%); highest among the groups gnomAD compares: Non-Finnish European, 0.00017%; no homozygotes.

Submission:

GeneDx
Classification: Uncertain significance. Last evaluated: 2023-01-10. Review status: criteria provided, single submitter. Criteria: GeneDx Variant Classification Process June 2021. Collection method: clinical testing. Allele origin: germline. Affected: yes.
Comment: Not observed at significant frequency in large population cohorts (gnomAD); In silico analysis supports that this missense variant does not alter protein structure/function; Has not been previously published as pathogenic or benign to our knowledge; Variants in candidate genes are classified as variants of uncertain significance in accordance with ACMG guidelines (Richards et al., 2015)